The following is an entry in ClinVar:

ClinVar aggregate classification (germline): Likely pathogenic (1 of 4 stars; one submission).

Conditions:
Congenital myasthenic syndrome 4A. Also called: Myasthenic syndrome, congenital, 4a, slow-channel; CONGENITAL MYASTHENIC SYNDROME TYPE Ia1; MYASTHENIC SYNDROME, CONGENITAL, 4A, SLOW-CHANNEL, AUTOSOMAL RECESSIVE. Identifiers: Orphanet 590, MedGen C4225413, MONDO:0011600, OMIM 605809.

Submission:

Labcorp Genetics (formerly Invitae), Labcorp
Classification: Likely pathogenic for Congenital myasthenic syndrome 4A. Last evaluated: 2023-04-10. Review status: criteria provided, single submitter. Criteria: Invitae Variant Classification Sherloc (09022015). Collection method: clinical testing. Allele origin: unknown.
Comment: In summary, the currently available evidence indicates that the variant is pathogenic, but additional data are needed to prove that conclusively. Therefore, this variant has been classified as Likely Pathogenic. This variant has not been reported in the literature in individuals affected with CHRNE-related conditions. This variant results in a copy number gain of the genomic region encompassing exon(s) 3-6 of the CHRNE gene. While the exact position of this variant cannot be determined from the data, sub-genic copy number gains are generally in tandem (PMID: 25640679). This variant is predicted to be out-of-frame, and may result in an absent or disrupted protein product. Loss-of-function variants in CHRNE are known to be pathogenic (PMID: 22678886).

Literature cited by the submitters: PubMed 25640679; PubMed 22678886.

NC_000017.10:g.(?_4804800)_(4805809_?)dup

Genes: C17orf107 (chromosome 17 open reading frame 107; plus strand), CHRNE (cholinergic receptor nicotinic epsilon subunit; minus strand). Cytogenetic location: 17p13.2.
Variant type: Duplication.
Identifiers: ClinVar variation 3243047 (VCV003243047.1).